The following is an entry in ClinVar:

ClinVar aggregate classification (germline): Uncertain significance (1 of 4 stars; one submission).

Submission:

GeneDx
Classification: Uncertain significance. Last evaluated: 2023-03-23. Review status: criteria provided, single submitter. Criteria: GeneDx Variant Classification Process June 2021. Collection method: clinical testing. Allele origin: germline. Affected: yes.
Comment: Not observed at significant frequency in large population cohorts (gnomAD); In silico analysis supports that this missense variant has a deleterious effect on protein structure/function; Has not been previously published as pathogenic or benign to our knowledge

NM_014915.3(ANKRD26):c.2273A>T (p.Asp758Val)

Gene: ANKRD26 (ankyrin repeat domain containing 26; minus strand). Cytogenetic location: 10p12.1.
Variant type: single nucleotide variant.
Coding change: c.2273A>T on transcript NM_014915.3 (MANE Select); coding-DNA position 2273, A replaced by T.
Protein change: p.Asp758Val; replaces aspartic acid 758 with valine.
Molecular consequence: missense variant.
Genome position (GRCh38, 1-based): chr10:27,040,067, T>A on the plus strand (A>T on the coding strand, the complement: ANKRD26 is on the minus strand). VCF-style: chr10-27040067-T-A. GRCh37 (hg19) VCF-style: chr10-27328996-T-A.
Other names: c.2270A>T, p.Asp757Val (NM_001256053.2); short protein forms D757V, D758V.
Identifiers: ClinVar variation 2580748 (VCV002580748.1), dbSNP rs759288423, ClinGen allele CA376367489.